The following is an entry in ClinVar:

NM_014727.3(KMT2B):c.5792C>T (p.Pro1931Leu)

Gene: KMT2B (lysine methyltransferase 2B; plus strand). Cytogenetic location: 19q13.12.
Variant type: single nucleotide variant.
Coding change: c.5792C>T on transcript NM_014727.3 (MANE Select); coding-DNA position 5792, C replaced by T.
Protein change: p.Pro1931Leu; replaces proline 1931 with leucine.
Molecular consequence: missense variant.
Genome position (GRCh38, 1-based): chr19:35,732,341, C>T. VCF-style: chr19-35732341-C-T. GRCh37 (hg19) VCF-style: chr19-36223242-C-T.
Other names: c.5792C>T (NM_014727.1); short protein forms P1931L.
Identifiers: ClinVar variation 1174896 (VCV001174896.19), dbSNP rs201672736, ClinGen allele CA9385539.

ClinVar aggregate classification (germline): Likely benign. Review status: criteria provided, multiple submitters, no conflicts (2 of 4 stars). 7 submissions from 7 submitters: Likely benign (5). 2 of the submissions do not count toward it. Last evaluated 2025-12-30.

Conditions:
Inborn genetic diseases. Identifiers: MedGen C0950123, MeSH D030342.

Allele frequency attached by ClinVar (database versions not stated): 1000 Genomes Project 30x 0.00031; 1000 Genomes Project 0.00040.
gnomAD v4.1: 513 of 1,611,558 alleles (0.032%); highest among the groups gnomAD compares: Admixed American, 0.064%; no homozygotes.

Submissions (7):

Labcorp Genetics (formerly Invitae), Labcorp
Classification: Likely benign. Last evaluated: 2025-12-30. Review status: criteria provided, single submitter. Criteria: Invitae Variant Classification Sherloc (09022015). Collection method: clinical testing. Allele origin: germline.

CeGaT Center for Human Genetics Tuebingen
Classification: Likely benign. Last evaluated: 2025-11-01. Review status: criteria provided, single submitter. Criteria: CeGaT Center For Human Genetics Tuebingen Variant Classification Criteria Version 2. Collection method: clinical testing. Allele origin: germline. Affected: yes. Observed: 1 variant allele.
Comment: KMT2B: BP4, BS2

Blueprint Genetics
Classification: Likely benign. Last evaluated: 2024-02-26. Review status: criteria provided, single submitter. Criteria: ACMG Guidelines, 2015. Collection method: clinical testing. Allele origin: germline.

Ambry Genetics
Classification: Likely benign for Inborn genetic diseases. Last evaluated: 2021-05-19. Review status: criteria provided, single submitter. Criteria: Ambry Variant Classification Scheme 2023. Collection method: clinical testing. Allele origin: germline.

GeneDx
Classification: Likely benign. Last evaluated: 2020-03-27. Review status: criteria provided, single submitter. Criteria: GeneDx Variant Classification Process June 2021. Collection method: clinical testing. Allele origin: germline. Affected: yes.
Comment: In silico analysis, which includes protein predictors and evolutionary conservation, supports a deleterious effect; Has not been previously published as pathogenic or benign to our knowledge

Clinical Genetics DNA and cytogenetics Diagnostics Lab, Erasmus MC, Erasmus Medical Center
Classification: Likely benign. Review status: no assertion criteria provided. Collection method: clinical testing. Allele origin: germline. Affected: yes. Study: VKGL Data-share Consensus. Not counted in ClinVar's aggregate classification.

Diagnostic Laboratory, Department of Genetics, University Medical Center Groningen
Classification: Likely benign. Review status: no assertion criteria provided. Collection method: clinical testing. Allele origin: germline. Affected: yes. Study: VKGL Data-share Consensus. Not counted in ClinVar's aggregate classification.